The following is an entry in ClinVar:

NM_000264.5(PTCH1):c.243G>T (p.Ala81=)

Gene: PTCH1 (patched 1; minus strand). Cytogenetic location: 9q22.32.
Variant type: single nucleotide variant.
Coding change: c.243G>T on transcript NM_000264.5 (MANE Select); coding-DNA position 243, G replaced by T.
Protein change: p.Ala81=; no amino-acid change (alanine 81 retained).
Molecular consequence: synonymous variant. On other transcripts: 5 prime UTR variant (4), non-coding transcript variant (1).
Genome position (GRCh38, 1-based): chr9:95,506,558, C>A on the plus strand (G>T on the coding strand, the complement: PTCH1 is on the minus strand). VCF-style: chr9-95506558-C-A. GRCh37 (hg19) VCF-style: chr9-98268840-C-A.
Other names: c.45G>T, p.Ala15= (NM_001083602.3, NM_001354919.2); c.240G>T, p.Ala80= (NM_001083603.3); c.-211G>T (NM_001083604.3, NM_001083605.3, NM_001083606.3 and 1 more transcripts); c.243G>T, p.Ala81= (NM_001354918.2).
Identifiers: ClinVar variation 3053394 (VCV003053394.2), dbSNP rs1444883189, ClinGen allele CA466103688.

ClinVar aggregate classification (germline): Likely benign (0 of 4 stars; one submission).

Conditions:
PTCH1-related disorder. Also called: PTCH1-related disorders; PTCH1-related condition.

Submission:

PreventionGenetics, part of Exact Sciences
Classification: Likely benign for PTCH1-related condition. Last evaluated: 2022-11-22. Review status: no assertion criteria provided. Collection method: clinical testing. Allele origin: germline.
Comment: This variant is classified as likely benign based on ACMG/AMP sequence variant interpretation guidelines (Richards et al. 2015 PMID: 25741868, with internal and published modifications).